The following is an entry in ClinVar:

ClinVar aggregate classification (germline): Uncertain significance (1 of 4 stars; one submission).

Allele frequency attached by ClinVar (database versions not stated): TOPMed below 0.00001; gnomAD exomes 0.00001.
gnomAD v4.1: 4 of 1,614,126 alleles (0.00025%); highest among the groups gnomAD compares: Non-Finnish European, 0.00034%; no homozygotes.

Submission:

Labcorp Genetics (formerly Invitae), Labcorp
Classification: Uncertain significance. Last evaluated: 2022-05-03. Review status: criteria provided, single submitter. Criteria: Invitae Variant Classification Sherloc (09022015). Collection method: clinical testing. Allele origin: germline.
Comment: In summary, the available evidence is currently insufficient to determine the role of this variant in disease. Therefore, it has been classified as a Variant of Uncertain Significance. Algorithms developed to predict the effect of missense changes on protein structure and function (SIFT, PolyPhen-2, Align-GVGD) all suggest that this variant is likely to be disruptive. This variant has not been reported in the literature in individuals affected with PCARE-related conditions. This variant is present in population databases (no rsID available, gnomAD 0.0009%). This sequence change replaces isoleucine, which is neutral and non-polar, with threonine, which is neutral and polar, at codon 352 of the PCARE protein (p.Ile352Thr).

NM_001029883.3(PCARE):c.1055T>C (p.Ile352Thr)

Gene: PCARE (photoreceptor cilium actin regulator; minus strand). Cytogenetic location: 2p23.2.
Variant type: single nucleotide variant.
Coding change: c.1055T>C on transcript NM_001029883.3 (MANE Select); coding-DNA position 1055, T replaced by C.
Protein change: p.Ile352Thr; replaces isoleucine 352 with threonine.
Molecular consequence: missense variant.
Genome position (GRCh38, 1-based): chr2:29,073,207, A>G on the plus strand (T>C on the coding strand, the complement: PCARE is on the minus strand). VCF-style: chr2-29073207-A-G. GRCh37 (hg19) VCF-style: chr2-29296073-A-G.
Other names: short protein forms I352T.
Identifiers: ClinVar variation 2132927 (VCV002132927.4), dbSNP rs986017991, ClinGen allele CA44643419.